The following is an entry in ClinVar:

ClinVar aggregate classification (germline): Uncertain significance (1 of 4 stars; one submission).

Allele frequency attached by ClinVar (database versions not stated): gnomAD exomes below 0.00001; TOPMed 0.00001.
gnomAD v4.1: 1 of 1,614,124 alleles (0.000062%); highest among the groups gnomAD compares: Admixed American, 0.0017%; no homozygotes.

Submission:

Labcorp Genetics (formerly Invitae), Labcorp
Classification: Uncertain significance. Last evaluated: 2024-05-15. Review status: criteria provided, single submitter. Criteria: Invitae Variant Classification Sherloc (09022015). Collection method: clinical testing. Allele origin: germline.
Comment: This sequence change replaces proline, which is neutral and non-polar, with alanine, which is neutral and non-polar, at codon 60 of the GATAD2B protein (p.Pro60Ala). This variant is present in population databases (no rsID available, gnomAD 0.003%). This variant has not been reported in the literature in individuals affected with GATAD2B-related conditions. An algorithm developed to predict the effect of missense changes on protein structure and function (PolyPhen-2) suggests that this variant is likely to be tolerated. In summary, the available evidence is currently insufficient to determine the role of this variant in disease. Therefore, it has been classified as a Variant of Uncertain Significance.

NM_020699.4(GATAD2B):c.178C>G (p.Pro60Ala)

Gene: GATAD2B (GATA zinc finger domain containing 2B; minus strand). Cytogenetic location: 1q21.3.
Variant type: single nucleotide variant.
Coding change: c.178C>G on transcript NM_020699.4 (MANE Select); coding-DNA position 178, C replaced by G.
Protein change: p.Pro60Ala; replaces proline 60 with alanine.
Molecular consequence: missense variant.
Genome position (GRCh38, 1-based): chr1:153,828,170, G>C on the plus strand (C>G on the coding strand, the complement: GATAD2B is on the minus strand). VCF-style: chr1-153828170-G-C. GRCh37 (hg19) VCF-style: chr1-153800646-G-C.
Other names: short protein forms P60A.
Identifiers: ClinVar variation 2797481 (VCV002797481.3), dbSNP rs1175749551, ClinGen allele CA342540915.
Genomic context (GRCh38, chr1:153,828,170, plus strand): 5'-TAAGTTTTTCTTCATAGCCCTTGACACCACTGCCATCCTGTTTGGTGGGTAACTCATGTG[G>C]CACCTCAAGATTTGCCAAATCCTTCCTTTTGAGCAATGCCAACATTTTCAGACGTTCCAT-3'
Protein context (NP_065750.1, residues 50-70): KRKDLANLEV[Pro60Ala]HELPTKQDGS